The following is an entry in ClinVar:

ClinVar aggregate classification (germline): Uncertain significance (1 of 4 stars; one submission).

Conditions:
Pheochromocytoma. Also called: MAX-Related Hereditary Paraganglioma-Pheochromocytoma Syndrome. Identifiers: Orphanet 29072, MedGen C0031511, MONDO:0008233, OMIM 171300, HP:0002666.
Paragangliomas with sensorineural hearing loss. Identifiers: MedGen C1868633.
Cowden syndrome 3 (CWS3). Identifiers: Orphanet 201, MedGen CN166604, MONDO:0014045.
Carney-Stratakis syndrome. Also called: PARAGANGLIOMA AND GASTROINTESTINAL STROMAL TUMOR. Identifiers: Orphanet 97286, MedGen C1847319, MONDO:0011740, OMIM 606864.

Submission:

Labcorp Genetics (formerly Invitae), Labcorp
Classification: Uncertain significance for Carney-Stratakis syndrome; Paragangliomas with sensorineural hearing loss; Pheochromocytoma; Cowden syndrome 3. Last evaluated: 2018-09-01. Review status: criteria provided, single submitter. Criteria: Invitae Variant Classification Sherloc (09022015). Collection method: clinical testing. Allele origin: germline.
Comment: This variant is not present in population databases (ExAC no frequency). This sequence change replaces alanine with threonine at codon 90 of the SDHD protein (p.Ala90Thr). The alanine residue is moderately conserved and there is a small physicochemical difference between alanine and threonine. This variant has been observed in an individual affected with pheochromocytoma (PMID: 14985401). In summary, the available evidence is currently insufficient to determine the role of this variant in disease. Therefore, it has been classified as a Variant of Uncertain Significance. Algorithms developed to predict the effect of missense changes on protein structure and function (SIFT, PolyPhen-2, Align-GVGD) all suggest that this variant is likely to be tolerated, but these predictions have not been confirmed by published functional studies and their clinical significance is uncertain.

Literature cited by the submitters: PubMed 14985401.

NM_003002.4(SDHD):c.268G>A (p.Ala90Thr)

Gene: SDHD (succinate dehydrogenase complex subunit D; plus strand). Cytogenetic location: 11q23.1.
Variant type: single nucleotide variant.
Coding change: c.268G>A on transcript NM_003002.4 (MANE Select); coding-DNA position 268, G replaced by A.
Protein change: p.Ala90Thr; replaces alanine 90 with threonine.
Molecular consequence: missense variant. On other transcripts: non-coding transcript variant (1), intron variant (1).
Genome position (GRCh38, 1-based): chr11:112,088,965, G>A. VCF-style: chr11-112088965-G-A. GRCh37 (hg19) VCF-style: chr11-111959689-G-A.
Other names: c.151G>A, p.Ala51Thr (NM_001276504.2); c.268G>A, p.Ala90Thr (NM_001276506.2); c.169+992G>A (NM_001276503.2); short protein forms A51T, A90T.
Identifiers: ClinVar variation 662691 (VCV000662691.6), dbSNP rs765102002, ClinGen allele CA382617347.